The following is an entry in ClinVar:

ClinVar aggregate classification (germline): Uncertain significance. Review status: criteria provided, multiple submitters, no conflicts (2 of 4 stars). 2 submissions from 2 submitters: Uncertain significance (2). Last evaluated 2022-06-20.

Conditions:
Absence seizure. Also called: Absence epilepsy. Identifiers: Orphanet 1941, MedGen C0014553.
Myoclonic epilepsy, juvenile, susceptibility to, 1. Also called: Myoclonic Epilepsy, Juvenile, 1; EJM1. Identifiers: MedGen C1850778, MONDO:0020752, OMIM 254770.

Allele frequency attached by ClinVar (database versions not stated): gnomAD 0.00001 and 0.00002; gnomAD exomes 0.00001 and 0.00004; TOPMed 0.00001; ExAC 0.00002; 1000 Genomes Project 0.00020; 1000 Genomes Project 30x 0.00031.
gnomAD v4.1: 17 of 1,614,088 alleles (0.0011%); highest among the groups gnomAD compares: East Asian, 0.027%; no homozygotes.

Submissions (2):

Labcorp Genetics (formerly Invitae), Labcorp
Classification: Uncertain significance for Myoclonic epilepsy, juvenile, susceptibility to, 1; Absence seizure. Last evaluated: 2022-06-20. Review status: criteria provided, single submitter. Criteria: Invitae Variant Classification Sherloc (09022015). Collection method: clinical testing. Allele origin: germline.
Comment: In summary, the available evidence is currently insufficient to determine the role of this variant in disease. Therefore, it has been classified as a Variant of Uncertain Significance. Algorithms developed to predict the effect of sequence changes on RNA splicing suggest that this variant may create or strengthen a splice site. Algorithms developed to predict the effect of missense changes on protein structure and function output the following: SIFT: "Tolerated"; PolyPhen-2: "Benign"; Align-GVGD: "Class C0". The glutamic acid amino acid residue is found in multiple mammalian species, which suggests that this missense change does not adversely affect protein function. ClinVar contains an entry for this variant (Variation ID: 197833). This variant has not been reported in the literature in individuals affected with EFHC1-related conditions. This variant is present in population databases (rs201263733, gnomAD 0.05%). This sequence change replaces lysine, which is basic and polar, with glutamic acid, which is acidic and polar, at codon 306 of the EFHC1 protein (p.Lys306Glu).

Eurofins Ntd Llc (ga)
Classification: Uncertain significance. Last evaluated: 2014-08-21. Review status: criteria provided, single submitter. Criteria: EGL Classification Definitions 2015. Collection method: clinical testing. Allele origin: germline. Observed: 2 variant alleles, 2 heterozygotes.

NM_018100.4(EFHC1):c.916A>G (p.Lys306Glu)

Gene: EFHC1 (EF-hand domain containing 1; plus strand). Cytogenetic location: 6p12.2.
Variant type: single nucleotide variant.
Coding change: c.916A>G on transcript NM_018100.4 (MANE Select); coding-DNA position 916, A replaced by G.
Protein change: p.Lys306Glu; replaces lysine 306 with glutamic acid.
Molecular consequence: missense variant. On other transcripts: non-coding transcript variant (1).
Genome position (GRCh38, 1-based): chr6:52,454,287, A>G. VCF-style: chr6-52454287-A-G. GRCh37 (hg19) VCF-style: chr6-52319085-A-G.
Other names: c.859A>G, p.Lys287Glu (NM_001172420.2); short protein forms K306E, K287E.
Identifiers: ClinVar variation 197833 (VCV000197833.16), dbSNP rs201263733, ClinGen allele CA246194.